The following is an entry in ClinVar:

NM_001378418.1(TCF20):c.3941G>C (p.Arg1314Thr)

Gene: TCF20 (transcription factor 20; minus strand). Cytogenetic location: 22q13.2.
Variant type: single nucleotide variant.
Coding change: c.3941G>C on transcript NM_001378418.1 (MANE Select); coding-DNA position 3941, G replaced by C.
Protein change: p.Arg1314Thr; replaces arginine 1314 with threonine.
Molecular consequence: missense variant.
Genome position (GRCh38, 1-based): chr22:42,211,365, C>G on the plus strand (G>C on the coding strand, the complement: TCF20 is on the minus strand). VCF-style: chr22-42211365-C-G. GRCh37 (hg19) VCF-style: chr22-42607371-C-G.
Other names: c.3941G>C, p.Arg1314Thr (NM_005650.4, NM_181492.3); short protein forms R1314T.
Identifiers: ClinVar variation 4699011 (VCV004699011.1).

ClinVar aggregate classification (germline): Uncertain significance (1 of 4 stars; one submission).

gnomAD v4.1: 2 of 1,614,152 alleles (0.00012%); highest among the groups gnomAD compares: East Asian, 0.0045%; no homozygotes.

Submission:

Labcorp Genetics (formerly Invitae), Labcorp
Classification: Uncertain significance. Last evaluated: 2025-07-02. Review status: criteria provided, single submitter. Criteria: Invitae Variant Classification Sherloc (09022015). Collection method: clinical testing. Allele origin: germline.
Comment: This sequence change replaces arginine, which is basic and polar, with threonine, which is neutral and polar, at codon 1314 of the TCF20 protein (p.Arg1314Thr). This variant is present in population databases (rs555984492, gnomAD 0.02%). This variant has not been reported in the literature in individuals affected with TCF20-related conditions. An algorithm developed to predict the effect of missense changes on protein structure and function (PolyPhen-2) suggests that this variant is likely to be tolerated. In summary, the available evidence is currently insufficient to determine the role of this variant in disease. Therefore, it has been classified as a Variant of Uncertain Significance.